The following is an entry in ClinVar:

ClinVar aggregate classification (germline): Uncertain significance (1 of 4 stars; one submission).

Allele frequency attached by ClinVar (database versions not stated): gnomAD exomes below 0.00001; TOPMed 0.00001.
gnomAD v4.1: 4 of 1,509,996 alleles (0.00026%); highest among the groups gnomAD compares: East Asian, 0.01%; no homozygotes.

Submission:

Labcorp Genetics (formerly Invitae), Labcorp
Classification: Uncertain significance. Last evaluated: 2022-07-29. Review status: criteria provided, single submitter. Criteria: Invitae Variant Classification Sherloc (09022015). Collection method: clinical testing. Allele origin: germline.
Comment: In summary, the available evidence is currently insufficient to determine the role of this variant in disease. Therefore, it has been classified as a Variant of Uncertain Significance. Algorithms developed to predict the effect of missense changes on protein structure and function output the following: SIFT: "Tolerated"; PolyPhen-2: "Probably Damaging"; Align-GVGD: "Class C0". The serine amino acid residue is found in multiple mammalian species, which suggests that this missense change does not adversely affect protein function. This variant has not been reported in the literature in individuals affected with RNF31-related conditions. The frequency data for this variant in the population databases is considered unreliable, as metrics indicate poor data quality at this position in the gnomAD database. This sequence change replaces proline, which is neutral and non-polar, with serine, which is neutral and polar, at codon 2 of the RNF31 protein (p.Pro2Ser).

NM_017999.5(RNF31):c.4C>T (p.Pro2Ser)

Genes: RNF31 (ring finger protein 31; plus strand), LOC121468009 (Sharpr-MPRA regulatory region 11827; plus strand). Cytogenetic location: 14q12.
Variant type: single nucleotide variant.
Coding change: c.4C>T on transcript NM_017999.5 (MANE Select); coding-DNA position 4, C replaced by T.
Protein change: p.Pro2Ser; replaces proline 2 with serine.
Molecular consequence: missense variant. On other transcripts: intron variant (1).
Genome position (GRCh38, 1-based): chr14:24,147,702, C>T. VCF-style: chr14-24147702-C-T. GRCh37 (hg19) VCF-style: chr14-24616911-C-T.
Other names: c.-325-274C>T (NM_001310332.2); short protein forms P2S.
Identifiers: ClinVar variation 1946127 (VCV001946127.5), dbSNP rs1425454934, ClinGen allele CA389283212.
Genomic context (GRCh38, chr14:24,147,702, plus strand): 5'-CGCTGCCCGCGCCGGGTCCTGGCGGGCGGCGAGGCTGGGGCTGACTCCTGCCTCAGGATG[C>T]CGGGGGAGGAAGAGGAGCGGGCCTTCCTGGTGGCCCGCGAGGAGCTGGCGAGCGCCCTGA-3'
Protein context (NP_060469.4, residues 1-12): M[Pro2Ser]GEEEERAFLV